The following is an entry in ClinVar:

ClinVar aggregate classification (germline): Uncertain significance (1 of 4 stars; one submission).

Submission:

Labcorp Genetics (formerly Invitae), Labcorp
Classification: Uncertain significance. Last evaluated: 2022-07-27. Review status: criteria provided, single submitter. Criteria: Invitae Variant Classification Sherloc (09022015). Collection method: clinical testing. Allele origin: germline.
Comment: This variant is not present in population databases (gnomAD no frequency). This variant has not been reported in the literature in individuals affected with KMT2B-related conditions. In summary, the available evidence is currently insufficient to determine the role of this variant in disease. Therefore, it has been classified as a Variant of Uncertain Significance. This variant, c.6357_6359dup, results in the insertion of 1 amino acid(s) of the KMT2B protein (p.Lys2119dup), but otherwise preserves the integrity of the reading frame.

NM_014727.3(KMT2B):c.6354GAA[3] (p.Lys2119_Asn2120insLys)

Gene: KMT2B (lysine methyltransferase 2B; plus strand). Cytogenetic location: 19q13.12.
Variant type: Microsatellite.
Coding change: c.6354GAA[3] on transcript NM_014727.3 (MANE Select); three copies in a row of the 3-base unit GAA starting at c.6354; the reference has two copies in a row; one copy, 3 bases duplicated.
Protein change: p.Lys2119_Asn2120insLys.
Molecular consequence: inframe insertion.
Genome position (GRCh38, 1-based): chr19:35,732,906-35,732,908, GAA duplicated; duplicating any 3 consecutive bases within chr19:35,732,903-35,732,908 gives the same sequence; the position shown is the placement nearest the transcript's 3' end. VCF-style (leftmost placement, unchanged base first): chr19-35732902-T-TGAA. GRCh37 (hg19) VCF-style: chr19-36223803-T-TGAA.
Identifiers: ClinVar variation 2019601 (VCV002019601.4), dbSNP rs2513353124, ClinGen allele CA2580613112.